The following is an entry in ClinVar:

ClinVar aggregate classification (germline): Uncertain significance. Review status: criteria provided, multiple submitters, no conflicts (2 of 4 stars). 10 submissions from 10 submitters: Uncertain significance (7). 3 of the submissions do not count toward it. Last evaluated 2025-11-20.

Conditions:
Cardiomyopathy (CMYO). Also called: Cardiomyopathies. Identifiers: Orphanet 167848, MedGen C0878544, MONDO:0004994, HP:0001638. Inheritance: Various modes of inheritance.
Cardiovascular phenotype. Identifiers: MedGen CN230736.
Arrhythmogenic right ventricular cardiomyopathy (ARVD). Also called: Arrhythmogenic cardiomyopathy; Arrhythmogenic Right Ventricular Cardiomyopathy (ARVC); Arrhythmogenic right ventricular dysplasia; Cardiomyopathy, ARVC. Identifiers: Orphanet 247, MedGen C0349788, MeSH D019571, MONDO:0016587. Disease mechanism: loss of function. Inheritance: Various modes of inheritance.
Arrhythmogenic right ventricular dysplasia 10. Also called: Arrhythmogenic right ventricular dysplasia/cardiomyopathy, type 10; Arrhythmogenic Right Ventricular Dysplasia/Cardiomyopathy10; ARRHYTHMOGENIC RIGHT VENTRICULAR DYSPLASIA, FAMILIAL, 10. Identifiers: MedGen C1857777, MONDO:0012434, OMIM 610193.

Allele frequency attached by ClinVar (database versions not stated): TOPMed below 0.00001; gnomAD 0.00001 and 0.00005; gnomAD exomes 0.00002 and 0.00003; ExAC 0.00003; 1000 Genomes Project 0.00040; 1000 Genomes Project 30x 0.00047.
gnomAD v4.1: 44 of 1,613,818 alleles (0.0027%); highest among the groups gnomAD compares: East Asian, 0.033%; no homozygotes.

Submissions (10):

Color Diagnostics, LLC DBA Color Health
Classification: Uncertain significance for Cardiomyopathy. Last evaluated: 2025-11-20. Review status: criteria provided, single submitter. Criteria: ACMG Guidelines, 2015. Collection method: clinical testing. Allele origin: germline.
Comment: This missense variant replaces valine with isoleucine at codon 149 of the DSG2 protein. Computational prediction suggests that this variant may not impact protein structure and function. To our knowledge, functional studies have not been reported for this variant. This variant has been reported in two individuals affected with arrhythmogenic right ventricular cardiomyopathy (PMID: 24704780, 34012299) and in one individual affected with dilated cardiomyopathy (PMID: 32880476). This variant has been identified in 44/1613818 chromosomes in the general population by the Genome Aggregation Database (gnomAD). The available evidence is insufficient to determine the role of this variant in disease conclusively. Therefore, this variant is classified as a Variant of Uncertain Significance.

GeneDx
Classification: Uncertain significance. Last evaluated: 2025-02-10. Review status: criteria provided, single submitter. Criteria: GeneDx Variant Classification Process June 2021. Collection method: clinical testing. Allele origin: germline. Affected: yes.
Comment: Has been reported in patients with DCM, ARVC, and arythmogenic cardiomyopathy, some of which carried variants in other cardiogenic genes (PMID: 34012299, 24704780, 32880476); In silico analysis indicates that this missense variant does not alter protein structure/function; This variant is associated with the following publications: (PMID: 28569743, 32880476, 24704780, 34012299, 36819436)

Ambry Genetics
Classification: Uncertain significance for Cardiovascular phenotype. Last evaluated: 2024-11-12. Review status: criteria provided, single submitter. Criteria: Ambry Variant Classification Scheme 2023. Collection method: clinical testing. Allele origin: germline.
Comment: The p.V149I variant (also known as c.445G>A), located in coding exon 5 of the DSG2 gene, results from a G to A substitution at nucleotide position 445. The valine at codon 149 is replaced by isoleucine, an amino acid with highly similar properties. This alteration was detected in a family (who also had variants in other cardiac-related genes) from a cohort with definite or possible arrhythmogenic right ventricular cardiomyopathy (ARVC), and also co-occurred with a variant in the DSC2 gene in an individual from a dilated cardiomyopathy cohort; however, clinical details were limited (Rasmussen TB et al. Circ Cardiovasc Genet, 2014 Jun;7:230-40; Verdonschot JAJ et al. Circ Genom Precis Med. 2020 10;13(5):476-487). This variant has also been detected in an individual reported to have ARVC, and was also present in two unaffected relatives (Huang R et al. Int Med Case Rep J. 2021 May;14:307-313). This amino acid position is highly conserved in available vertebrate species. In addition, this alteration is predicted to be tolerated by in silico analysis. Since supporting evidence is limited at this time, the clinical significance of this alteration remains unclear.

Blueprint Genetics
Classification: Uncertain significance. Last evaluated: 2024-10-31. Review status: criteria provided, single submitter. Criteria: ACMG Guidelines, 2015. Collection method: clinical testing. Allele origin: germline.

All of Us Research Program, National Institutes of Health
Classification: Uncertain significance for Arrhythmogenic right ventricular cardiomyopathy. Last evaluated: 2024-05-14. Review status: criteria provided, single submitter. Criteria: ACMG Guidelines, 2015. Collection method: clinical testing. Allele origin: germline. Inheritance: Autosomal dominant inheritance. Observed: 7 variant alleles, 7 heterozygotes.
Comment: This missense variant replaces valine with isoleucine at codon 149 of the DSG2 protein. Computational prediction is inconclusive regarding the impact of this variant on protein structure and function (internally defined REVEL score threshold 0.5 < inconclusive < 0.7, PMID: 27666373). To our knowledge, functional studies have not been reported for this variant. This variant has been reported in two individuals affected with arrhythmogenic right ventricular cardiomyopathy (PMID: 24704780, 34012299) and in one individual affected with dilated cardiomyopathy (PMID: 32880476). This variant has been identified in 8/280720 chromosomes in the general population by the Genome Aggregation Database (gnomAD). The available evidence is insufficient to determine the role of this variant in disease conclusively. Therefore, this variant is classified as a Variant of Uncertain Significance.

This study involves interpretation of variants in research participants for the purpose of population health screening. Participant phenotype was not available at the time of variant classification. Additional details can be found in publication PMID: 35346344, PMCID: PMC8962531

Labcorp Genetics (formerly Invitae), Labcorp
Classification: Uncertain significance for Arrhythmogenic right ventricular dysplasia 10. Last evaluated: 2022-10-31. Review status: criteria provided, single submitter. Criteria: Invitae Variant Classification Sherloc (09022015). Collection method: clinical testing. Allele origin: germline.
Comment: This sequence change replaces valine, which is neutral and non-polar, with isoleucine, which is neutral and non-polar, at codon 149 of the DSG2 protein (p.Val149Ile). This variant is present in population databases (rs372606274, gnomAD 0.03%). This missense change has been observed in individual(s) with clinical features of DSG2-related conditions (PMID: 24704780, 32880476, 34012299). ClinVar contains an entry for this variant (Variation ID: 218601). Advanced modeling of protein sequence and biophysical properties (such as structural, functional, and spatial information, amino acid conservation, physicochemical variation, residue mobility, and thermodynamic stability) performed at Invitae indicates that this missense variant is not expected to disrupt DSG2 protein function. In summary, the available evidence is currently insufficient to determine the role of this variant in disease. Therefore, it has been classified as a Variant of Uncertain Significance.

Genomic Diagnostic Laboratory, Division of Genomic Diagnostics, Children's Hospital of Philadelphia
Classification: Uncertain significance for Arrhythmogenic right ventricular cardiomyopathy. Last evaluated: 2015-05-14. Review status: criteria provided, single submitter. Criteria: DGD Variant Analysis Guidelines. Collection method: clinical testing. Allele origin: unknown.

Clinical Genetics, Academic Medical Center
Classification: Uncertain significance. Review status: no assertion criteria provided. Collection method: clinical testing. Allele origin: germline. Affected: yes. Study: VKGL Data-share Consensus. Not counted in ClinVar's aggregate classification.

Genome Diagnostics Laboratory, University Medical Center Utrecht
Classification: Uncertain significance. Review status: no assertion criteria provided. Collection method: clinical testing. Allele origin: germline. Affected: yes. Study: VKGL Data-share Consensus. Not counted in ClinVar's aggregate classification.

Joint Genome Diagnostic Labs from Nijmegen and Maastricht, Radboudumc and MUMC+
Classification: Uncertain significance. Review status: no assertion criteria provided. Collection method: clinical testing. Allele origin: germline. Affected: yes. Study: VKGL Data-share Consensus. Not counted in ClinVar's aggregate classification.

Literature cited by the submitters: PubMed 24704780 (cited by 3 submitters); PubMed 32880476 (cited by 4 submitters); PubMed 34012299 (cited by 4 submitters).

NM_001943.5(DSG2):c.445G>A (p.Val149Ile)

Gene: DSG2 (desmoglein 2; plus strand). Cytogenetic location: 18q12.1.
Variant type: single nucleotide variant.
Coding change: c.445G>A on transcript NM_001943.5 (MANE Select); coding-DNA position 445, G replaced by A.
Protein change: p.Val149Ile; replaces valine 149 with isoleucine.
Molecular consequence: missense variant.
Genome position (GRCh38, 1-based): chr18:31,521,165, G>A. VCF-style: chr18-31521165-G-A. GRCh37 (hg19) VCF-style: chr18-29101128-G-A.
Other names: c.445G>A (LRG_397t1); short protein forms V149I.
Identifiers: ClinVar variation 218601 (VCV000218601.23), dbSNP rs372606274, ClinGen allele CA048772.